The following is an entry in ClinVar:

ClinVar aggregate classification (germline): Uncertain significance (1 of 4 stars; one submission).

Submission:

Labcorp Genetics (formerly Invitae), Labcorp
Classification: Uncertain significance. Last evaluated: 2024-05-01. Review status: criteria provided, single submitter. Criteria: Invitae Variant Classification Sherloc (09022015). Collection method: clinical testing. Allele origin: germline.
Comment: This sequence change replaces lysine, which is basic and polar, with glutamic acid, which is acidic and polar, at codon 2221 of the FAT2 protein (p.Lys2221Glu). This variant is not present in population databases (gnomAD no frequency). This variant has not been reported in the literature in individuals affected with FAT2-related conditions. Advanced modeling of protein sequence and biophysical properties (such as structural, functional, and spatial information, amino acid conservation, physicochemical variation, residue mobility, and thermodynamic stability) has been performed at Invitae for this missense variant, however the output from this modeling did not meet the statistical confidence thresholds required to predict the impact of this variant on FAT2 protein function. In summary, the available evidence is currently insufficient to determine the role of this variant in disease. Therefore, it has been classified as a Variant of Uncertain Significance.

NM_001447.3(FAT2):c.6661A>G (p.Lys2221Glu)

Genes: SLC36A1 (solute carrier family 36 member 1; plus strand), FAT2 (FAT atypical cadherin 2; minus strand). Cytogenetic location: 5q33.1.
Variant type: single nucleotide variant.
Coding change: c.6661A>G on transcript NM_001447.3 (MANE Select); coding-DNA position 6661, A replaced by G.
Protein change: p.Lys2221Glu; replaces lysine 2221 with glutamic acid.
Molecular consequence: missense variant.
Genome position (GRCh38, 1-based): chr5:151,544,466, T>C on the plus strand (A>G on the coding strand, the complement: FAT2 is on the minus strand). VCF-style: chr5-151544466-T-C. GRCh37 (hg19) VCF-style: chr5-150924027-T-C.
Other names: short protein forms K2221E.
Identifiers: ClinVar variation 2873757 (VCV002873757.3), dbSNP rs1756433034, ClinGen allele CA361837887.